The following is an entry in ClinVar:

ClinVar aggregate classification (germline): Likely benign. Review status: criteria provided, single submitter (1 of 4 stars). 2 submissions from 2 submitters: Likely benign (1). 1 of the submissions does not count toward it. Last evaluated 2024-05-12.

Conditions:
Inborn genetic diseases. Identifiers: MedGen C0950123, MeSH D030342.
CUX1-related disorder. Also called: CUX1-related condition.

Allele frequency attached by ClinVar (database versions not stated): gnomAD 0.00002; TOPMed 0.00006; gnomAD exomes 0.00007; ExAC 0.00014.
gnomAD v4.1: 42 of 1,612,756 alleles (0.0026%); highest among the groups gnomAD compares: Admixed American, 0.07%; 1 homozygote.

Submissions (2):

Ambry Genetics
Classification: Likely benign for Inborn genetic diseases. Last evaluated: 2024-05-12. Review status: criteria provided, single submitter. Criteria: Ambry Variant Classification Scheme 2023. Collection method: clinical testing. Allele origin: germline.

PreventionGenetics, part of Exact Sciences
Classification: Likely benign for CUX1-related condition. Last evaluated: 2023-04-11. Review status: no assertion criteria provided. Collection method: clinical testing. Allele origin: germline. Not counted in ClinVar's aggregate classification.
Comment: This variant is classified as likely benign based on ACMG/AMP sequence variant interpretation guidelines (Richards et al. 2015 PMID: 25741868, with internal and published modifications).

NM_181552.4(CUX1):c.2549A>G (p.Lys850Arg)

Gene: CUX1 (cut like homeobox 1; plus strand). Cytogenetic location: 7q22.1.
Variant type: single nucleotide variant.
Coding change: c.2549A>G on transcript NM_181552.4 (MANE Select); coding-DNA position 2549, A replaced by G.
Protein change: p.Lys850Arg; replaces lysine 850 with arginine.
Molecular consequence: missense variant. On other transcripts: intron variant (5).
Genome position (GRCh38, 1-based): chr7:102,201,846, A>G. VCF-style: chr7-102201846-A-G. GRCh37 (hg19) VCF-style: chr7-101845126-A-G.
Other names: c.2582A>G, p.Lys861Arg (NM_001202543.2); c.1255+6243A>G (NM_001913.5); c.1249+6243A>G (NM_181500.4); c.1117+6243A>G (NM_001202545.3); c.1207+6243A>G (NM_001202544.3); c.1138+6243A>G (NM_001202546.3); short protein forms K850R, K861R.
Identifiers: ClinVar variation 3036206 (VCV003036206.3), dbSNP rs781805849, ClinGen allele CA4411096.